The following is an entry in ClinVar:

NM_014845.6(FIG4):c.1224G>T (p.Glu408Asp)

Gene: FIG4 (FIG4 phosphoinositide 5-phosphatase; plus strand). Cytogenetic location: 6q21.
Variant type: single nucleotide variant.
Coding change: c.1224G>T on transcript NM_014845.6 (MANE Select); coding-DNA position 1224, G replaced by T.
Protein change: p.Glu408Asp; replaces glutamic acid 408 with aspartic acid.
Molecular consequence: missense variant.
Genome position (GRCh38, 1-based): chr6:109,760,336, G>T. VCF-style: chr6-109760336-G-T. GRCh37 (hg19) VCF-style: chr6-110081539-G-T.
Other names: short protein forms E408D.
Identifiers: ClinVar variation 2149701 (VCV002149701.2), dbSNP rs777119683, ClinGen allele CA3956016.

ClinVar aggregate classification (germline): Uncertain significance (1 of 4 stars; one submission).

Conditions:
Charcot-Marie-Tooth disease type 4. Also called: Charcot-Marie-Tooth disease, type IV; Charcot-Marie-Tooth, Type 4. Identifiers: Orphanet 64749, MedGen C4082197, MONDO:0018995.

Allele frequency attached by ClinVar (database versions not stated): ExAC 0.00001; gnomAD 0.00001; TOPMed 0.00001.
gnomAD v4.1: 1 of 1,612,932 alleles (0.000062%); highest among the groups gnomAD compares: African/African-American, 0.0013%; no homozygotes.

Submission:

Labcorp Genetics (formerly Invitae), Labcorp
Classification: Uncertain significance for Charcot-Marie-Tooth disease type 4. Last evaluated: 2022-11-08. Review status: criteria provided, single submitter. Criteria: Invitae Variant Classification Sherloc (09022015). Collection method: clinical testing. Allele origin: germline.
Comment: In summary, the available evidence is currently insufficient to determine the role of this variant in disease. Therefore, it has been classified as a Variant of Uncertain Significance. Algorithms developed to predict the effect of missense changes on protein structure and function (SIFT, PolyPhen-2, Align-GVGD) all suggest that this variant is likely to be tolerated. This missense change has been observed in individual(s) with clinical features of Charcot-Marie-Tooth disease (PMID: 32376792). This variant is present in population databases (rs777119683, gnomAD 0.007%). This sequence change replaces glutamic acid, which is acidic and polar, with aspartic acid, which is acidic and polar, at codon 408 of the FIG4 protein (p.Glu408Asp).

Literature cited by the submitters: PubMed 32376792.